The following is an entry in ClinVar:

ClinVar aggregate classification (germline): Uncertain significance. Review status: criteria provided, multiple submitters, no conflicts (2 of 4 stars). 3 submissions from 3 submitters: Uncertain significance (3). Last evaluated 2022-04-08.

Allele frequency attached by ClinVar (database versions not stated): TOPMed 0.00003; ExAC 0.00004; gnomAD 0.00004; gnomAD exomes 0.00004 and 0.00010; 1000 Genomes Project 0.00020; 1000 Genomes Project 30x 0.00031.
gnomAD v4.1: 144 of 1,612,858 alleles (0.0089%); highest among the groups gnomAD compares: Non-Finnish European, 0.011%; no homozygotes.

Submissions (3):

Labcorp Genetics (formerly Invitae), Labcorp
Classification: Uncertain significance. Last evaluated: 2022-04-08. Review status: criteria provided, single submitter. Criteria: Invitae Variant Classification Sherloc (09022015). Collection method: clinical testing. Allele origin: germline.
Comment: This sequence change replaces glycine, which is neutral and non-polar, with arginine, which is basic and polar, at codon 57 of the NDST1 protein (p.Gly57Arg). This variant is present in population databases (rs540715914, gnomAD 0.008%). In summary, the available evidence is currently insufficient to determine the role of this variant in disease. Therefore, it has been classified as a Variant of Uncertain Significance. Algorithms developed to predict the effect of sequence changes on RNA splicing suggest that this variant may create or strengthen a splice site. Algorithms developed to predict the effect of missense changes on protein structure and function are either unavailable or do not agree on the potential impact of this missense change (SIFT: "Tolerated"; PolyPhen-2: "Possibly Damaging"; Align-GVGD: "Class C0"). ClinVar contains an entry for this variant (Variation ID: 1314016). This missense change has been observed in individual(s) with clinical features of NDST1-related conditions (Invitae).

GeneDx
Classification: Uncertain significance. Last evaluated: 2021-01-09. Review status: criteria provided, single submitter. Criteria: GeneDx Variant Classification Process June 2021. Collection method: clinical testing. Allele origin: germline. Affected: yes.
Comment: In silico analysis supports that this missense variant has a deleterious effect on protein structure/function; Has not been previously published as pathogenic or benign to our knowledge

Genetic Services Laboratory, University of Chicago
Classification: Uncertain significance. Last evaluated: 2019-06-14. Review status: criteria provided, single submitter. Criteria: ACMG Guidelines, 2015. Collection method: clinical testing. Allele origin: germline. Affected: no.

NM_001543.5(NDST1):c.169G>A (p.Gly57Arg)

Gene: NDST1 (N-deacetylase and N-sulfotransferase 1; plus strand). Cytogenetic location: 5q33.1.
Variant type: single nucleotide variant.
Coding change: c.169G>A on transcript NM_001543.5 (MANE Select); coding-DNA position 169, G replaced by A.
Protein change: p.Gly57Arg; replaces glycine 57 with arginine.
Molecular consequence: missense variant.
Genome position (GRCh38, 1-based): chr5:150,521,423, G>A. VCF-style: chr5-150521423-G-A. GRCh37 (hg19) VCF-style: chr5-149900985-G-A.
Other names: c.169G>A, p.Gly57Arg (NM_001301063.2); short protein forms G57R.
Identifiers: ClinVar variation 1314016 (VCV001314016.10), dbSNP rs540715914, ClinGen allele CA3512342.